The following is an entry in ClinVar:

ClinVar aggregate classification (germline): Pathogenic. Review status: criteria provided, multiple submitters, no conflicts (2 of 4 stars). 5 submissions from 5 submitters: Pathogenic (5). Last evaluated 2026-05-30.

Conditions:
Respiratory ciliopathies including non-CF bronchiectasis.
DNAI2-related disorders.
Kartagener syndrome (CILD1). Also called: CILIARY DYSKINESIA, PRIMARY, 1, WITH OR WITHOUT SITUS INVERSUS; IMMOTILE CILIA SYNDROME; Dextrocardia bronchiectasis and sinusitis; POLYNESIAN BRONCHIECTASIS; CILIARY DYSKINESIA, PRIMARY, 1; SIEWERT SYNDROME. Identifiers: Orphanet 244, MedGen C4551906, MONDO:0009484, OMIM 244400.
Primary ciliary dyskinesia. Also called: Ciliary dyskinesia. Identifiers: Orphanet 244, MedGen C0008780, MONDO:0016575, HP:0012265.

Allele frequency attached by ClinVar (database versions not stated): gnomAD exomes 0.00002; ExAC 0.00003.
gnomAD v4.1: 47 of 1,614,126 alleles (0.0029%); highest among the groups gnomAD compares: South Asian, 0.02%; no homozygotes.

Submissions (5):

NHS Central & South Genomic Laboratory Hub
Classification: Pathogenic for Respiratory ciliopathies including non-CF bronchiectasis. Last evaluated: 2026-05-30. Review status: criteria provided, single submitter. Criteria: ACMG Guidelines, 2015. Collection method: clinical testing. Allele origin: germline. Affected: yes.

Coskunpinar Laboratory, Saglik Bilimleri University, Hamidiye School of Medicine
Classification: Pathogenic for Kartagener syndrome. Last evaluated: 2026-02-02. Review status: criteria provided, single submitter. Criteria: ACMG Guidelines, 2015. Collection method: research. Allele origin: germline. Affected: yes. Observed: 1 variant allele, 1 homozygote.
Comment: Classification aligns with existing ClinVar pathogenic assertions (CLINVAR: RCV000686069.9). Nonsense variant in an established primary ciliary dyskinesia disease gene (OMIM:244400), predicted to result in loss of function. Classification is consistent with Qiagen Clinical Insight Interpret assessment which implements ACMG/AMP variant interpretation guidelines.

Natera, Inc.
Classification: Pathogenic for Primary ciliary dyskinesia. Last evaluated: 2025-03-24. Review status: criteria provided, single submitter. Criteria: Natera Variant Classification Schema (03/2026). Collection method: clinical testing. Allele origin: germline.
Comment: The c.546C>A variant in DNAI2 is a nonsense variant predicted to introduce a stop codon at amino acid 182. This variant is expected to result in nonsense mediated decay, truncation, or a dysfunctional protein product. This variant is rare in the general population with a frequency below the threshold expected for the associated phenotype(s). This variant has been observed in one or more individuals affected with the associated recessive disease, as either homozygous or compound heterozygous with a second variant (PMID: 31681265). This variant has been observed to segregate in affected family members (PMID: 31681265). Given the available evidence, this variant is classified as Pathogenic.

Labcorp Genetics (formerly Invitae), Labcorp
Classification: Pathogenic for Primary ciliary dyskinesia. Last evaluated: 2023-08-16. Review status: criteria provided, single submitter. Criteria: Invitae Variant Classification Sherloc (09022015). Collection method: clinical testing. Allele origin: germline.
Comment: For these reasons, this variant has been classified as Pathogenic. ClinVar contains an entry for this variant (Variation ID: 566298). This premature translational stop signal has been observed in individual(s) with clinical features of primary ciliary dyskinesia (Invitae). This variant is present in population databases (rs770946088, gnomAD 0.02%). This sequence change creates a premature translational stop signal (p.Tyr182*) in the DNAI2 gene. It is expected to result in an absent or disrupted protein product. Loss-of-function variants in DNAI2 are known to be pathogenic (PMID: 18950741, 23891469).

Blueprint Genetics
Classification: Pathogenic for DNAI2-related disorders. Last evaluated: 2022-02-04. Review status: criteria provided, single submitter. Criteria: ACMG Guidelines, 2015. Collection method: clinical testing. Allele origin: germline. Affected: yes. Observed: 2 variant alleles.

Literature cited by the submitters: PubMed 31681265 (cited by Natera, Inc.); PubMed 18950741 (cited by Labcorp Genetics (formerly Invitae), Labcorp); PubMed 23891469 (cited by Labcorp Genetics (formerly Invitae), Labcorp).

NM_023036.6(DNAI2):c.546C>A (p.Tyr182Ter)

Gene: DNAI2 (dynein axonemal intermediate chain 2; plus strand). Cytogenetic location: 17q25.1.
Variant type: single nucleotide variant.
Coding change: c.546C>A on transcript NM_023036.6 (MANE Select); coding-DNA position 546, C replaced by A.
Protein change: p.Tyr182Ter; replaces tyrosine 182 with a stop codon.
Molecular consequence: nonsense. On other transcripts: non-coding transcript variant (1).
Genome position (GRCh38, 1-based): chr17:74,289,672, C>A. VCF-style: chr17-74289672-C-A. GRCh37 (hg19) VCF-style: chr17-72285811-C-A.
Other names: p.Tyr182*; c.546C>A, p.Tyr182Ter (NM_001172810.3, NM_001353167.2); c.546C>A (NM_023036.5); short protein forms Y182*.
Identifiers: ClinVar variation 566298 (VCV000566298.12), dbSNP rs770946088, ClinGen allele CA8745393.